The following is an entry in ClinVar:

ClinVar aggregate classification (germline): Uncertain significance (1 of 4 stars; one submission).

Conditions:
Autism, susceptibility to, 16. Also called: Autism susceptibility 16; AUTISM WITH OR WITHOUT SEIZURES. Identifiers: MedGen C3150677, MONDO:0013258, OMIM 613410.

gnomAD v4.1: 66 of 1,608,874 alleles (0.0041%); highest among the groups gnomAD compares: Non-Finnish European, 0.0054%; no homozygotes.

Submission:

Clinical Genomics Laboratory, Washington University in St. Louis
Classification: Uncertain significance for Autism, susceptibility to, 16. Last evaluated: 2025-10-30. Review status: criteria provided, single submitter. Criteria: ACMG Guidelines, 2015. Collection method: clinical testing. Allele origin: germline.
Comment: The SLC9A9 c.1089+1G>A variant, to our knowledge, has not been reported in the medical literature. This variant is absent from the general population (gnomAD v2.1.1), indicating it is not a common variant. Computational predictors indicate that this variant would alter splicing, evidence that correlates to an impact of this variant SLC9A9 function. Due to limited information, the clinical significance of this variant is uncertain.

NM_173653.4(SLC9A9):c.1089+1G>A

Gene: SLC9A9 (solute carrier family 9 member A9; minus strand). Cytogenetic location: 3q24.
Variant type: single nucleotide variant.
Coding change: c.1089+1G>A on transcript NM_173653.4 (MANE Select); the canonical splice donor site of the intron after coding-DNA position 1089, G replaced by A.
Molecular consequence: splice donor variant.
Genome position (GRCh38, 1-based): chr3:143,552,361, C>T on the plus strand (G>A on the coding strand, the complement: SLC9A9 is on the minus strand). VCF-style: chr3-143552361-C-T. GRCh37 (hg19) VCF-style: chr3-143271203-C-T.
Identifiers: ClinVar variation 4879298 (VCV004879298.1).